The following is an entry in ClinVar:

NM_001365536.1(SCN9A):c.2858T>G (p.Val953Gly)

Genes: SCN1A-AS1 (SCN1A and SCN9A antisense RNA 1; plus strand), SCN9A (sodium voltage-gated channel alpha subunit 9; minus strand). Cytogenetic location: 2q24.3.
Variant type: single nucleotide variant.
Coding change: c.2858T>G on transcript NM_001365536.1 (MANE Select); coding-DNA position 2858, T replaced by G.
Protein change: p.Val953Gly; replaces valine 953 with glycine.
Molecular consequence: missense variant.
Genome position (GRCh38, 1-based): chr2:166,276,999, A>C on the plus strand (T>G on the coding strand, the complement: SCN9A is on the minus strand). VCF-style: chr2-166276999-A-C. GRCh37 (hg19) VCF-style: chr2-167133509-A-C.
Other names: c.2825T>G, p.Val942Gly (NM_002977.4); short protein forms V942G, V953G.
Identifiers: ClinVar variation 1505138 (VCV001505138.6), dbSNP rs1697263477, ClinGen allele CA349076826.

ClinVar aggregate classification (germline): Uncertain significance (1 of 4 stars; one submission).

Conditions:
Neuropathy, hereditary sensory and autonomic, type 2A (HSAN2A). Also called: WNK1-Related HSAN2 (HSAN2A); HSAN IIA; ACROOSTEOLYSIS, GIACCAI TYPE; ACROOSTEOLYSIS, NEUROGENIC; MORVAN DISEASE; NEUROPATHY, CONGENITAL SENSORY. Identifiers: Orphanet 970, MedGen C2752089, MONDO:0024309, OMIM 201300.
Generalized epilepsy with febrile seizures plus, type 7 (GEFSP7). Also called: GEFS+, TYPE 7. Identifiers: Orphanet 36387, MedGen C2751778, MONDO:0013470, OMIM 613863.

Allele frequency attached by ClinVar (database versions not stated): gnomAD exomes below 0.00001; TOPMed below 0.00001; gnomAD 0.00001.
gnomAD v4.1: 3 of 1,613,458 alleles (0.00019%); highest among the groups gnomAD compares: Non-Finnish European, 0.00017%; no homozygotes.

Submission:

Labcorp Genetics (formerly Invitae), Labcorp
Classification: Uncertain significance for Neuropathy, hereditary sensory and autonomic, type 2A; Generalized epilepsy with febrile seizures plus, type 7. Last evaluated: 2022-06-27. Review status: criteria provided, single submitter. Criteria: Invitae Variant Classification Sherloc (09022015). Collection method: clinical testing. Allele origin: germline.
Comment: In summary, the available evidence is currently insufficient to determine the role of this variant in disease. Therefore, it has been classified as a Variant of Uncertain Significance. This variant has not been reported in the literature in individuals affected with SCN9A-related conditions. Algorithms developed to predict the effect of missense changes on protein structure and function (SIFT, PolyPhen-2, Align-GVGD) all suggest that this variant is likely to be disruptive. This sequence change replaces valine, which is neutral and non-polar, with glycine, which is neutral and non-polar, at codon 942 of the SCN9A protein (p.Val942Gly). This variant is not present in population databases (gnomAD no frequency).